The following is an entry in ClinVar:

ClinVar aggregate classification (germline): Uncertain significance. Review status: criteria provided, multiple submitters, no conflicts (2 of 4 stars). 3 submissions from 3 submitters: Uncertain significance (3). Last evaluated 2024-10-06.

Conditions:
Alstrom syndrome (ALMS). Identifiers: Orphanet 64, MedGen C0268425, MONDO:0008763, OMIM 203800.
Cardiovascular phenotype. Identifiers: MedGen CN230736.

Allele frequency attached by ClinVar (database versions not stated): gnomAD exomes below 0.00001; TOPMed 0.00001; gnomAD 0.00003.
gnomAD v4.1: 5 of 1,614,050 alleles (0.00031%); highest among the groups gnomAD compares: African/African-American, 0.0067%; no homozygotes.

Submissions (3):

Women's Health and Genetics/Laboratory Corporation of America, LabCorp
Classification: Uncertain significance. Last evaluated: 2024-10-06. Review status: criteria provided, single submitter. Criteria: LabCorp Variant Classification Summary - May 2015. Collection method: clinical testing. Allele origin: germline.

Ambry Genetics
Classification: Uncertain significance for Cardiovascular phenotype. Last evaluated: 2023-12-05. Review status: criteria provided, single submitter. Criteria: Ambry Variant Classification Scheme 2023. Collection method: clinical testing. Allele origin: germline.
Comment: The p.E4115D variant (also known as c.12345A>C), located in coding exon 21 of the ALMS1 gene, results from an A to C substitution at nucleotide position 12345. The glutamic acid at codon 4115 is replaced by aspartic acid, an amino acid with highly similar properties. This amino acid position is highly conserved in available vertebrate species. In addition, this alteration is predicted to be tolerated by in silico analysis. Since supporting evidence is limited at this time, the clinical significance of this alteration remains unclear.

Labcorp Genetics (formerly Invitae), Labcorp
Classification: Uncertain significance for Alstrom syndrome. Last evaluated: 2022-07-18. Review status: criteria provided, single submitter. Criteria: Invitae Variant Classification Sherloc (09022015). Collection method: clinical testing. Allele origin: germline.
Comment: This sequence change replaces glutamic acid, which is acidic and polar, with aspartic acid, which is acidic and polar, at codon 4115 of the ALMS1 protein (p.Glu4115Asp). This variant is present in population databases (no rsID available, gnomAD 0.008%). This variant has not been reported in the literature in individuals affected with ALMS1-related conditions. Experimental studies and prediction algorithms are not available or were not evaluated, and the functional significance of this variant is currently unknown. In summary, the available evidence is currently insufficient to determine the role of this variant in disease. Therefore, it has been classified as a Variant of Uncertain Significance.

NM_001378454.1(ALMS1):c.12342A>C (p.Glu4114Asp)

Gene: ALMS1 (ALMS1 centrosome and basal body associated protein; plus strand). Cytogenetic location: 2p13.1.
Variant type: single nucleotide variant.
Coding change: c.12342A>C on transcript NM_001378454.1 (MANE Select); coding-DNA position 12342, A replaced by C.
Protein change: p.Glu4114Asp; replaces glutamic acid 4114 with aspartic acid.
Molecular consequence: missense variant.
Genome position (GRCh38, 1-based): chr2:73,603,284, A>C. VCF-style: chr2-73603284-A-C. GRCh37 (hg19) VCF-style: chr2-73830411-A-C.
Other names: c.12345A>C, p.Glu4115Asp (NM_015120.4); short protein forms E4114D, E4115D.
Identifiers: ClinVar variation 1756321 (VCV001756321.5), dbSNP rs1382963608, ClinGen allele CA347271475.